The following is an entry in ClinVar:

ClinVar aggregate classification (germline): Uncertain significance (0 of 4 stars; one submission).

Conditions:
PPP2R3A-related disorder. Also called: PPP2R3A-related condition.

Submission:

PreventionGenetics, part of Exact Sciences
Classification: Uncertain significance for PPP2R3A-related condition. Last evaluated: 2024-01-10. Review status: no assertion criteria provided. Collection method: clinical testing. Allele origin: germline.
Comment: The PPP2R3A c.2482dupA variant is predicted to result in a frameshift and premature protein termination (p.Thr828Asnfs*71). To our knowledge, this variant has not been reported in the literature or in a large population database, indicating this variant is rare. Loss of function is not an established mechanism of PPP2R3A-related disease. At this time, the clinical significance of this variant is uncertain due to the absence of conclusive functional and genetic evidence.

NM_002718.5(PPP2R3A):c.2482dup (p.Thr828fs)

Genes: PPP2R3A (protein phosphatase 2 regulatory subunit B''alpha; plus strand), LOC126806820 (MED14-independent group 3 enhancer GRCh37_chr3:135788758-135789957; plus strand). Cytogenetic location: 3q22.3.
Variant type: Duplication.
Coding change: c.2482dup on transcript NM_002718.5 (MANE Select); coding-DNA position 2482, one base duplicated (A; older notation c.2482dupA).
Protein change: p.Thr828fs; shifts the reading frame from threonine 828.
Molecular consequence: frameshift variant.
Genome position (GRCh38, 1-based): chr3:136,070,490, A duplicated. VCF-style (leftmost placement, unchanged base first): chr3-136070489-T-TA. GRCh37 (hg19) VCF-style: chr3-135789331-T-TA.
Other names: c.274dup, p.Thr92fs (NM_001190447.2); c.619dup, p.Thr207fs (NM_181897.3); short protein forms T207fs, T828fs, T92fs.
Identifiers: ClinVar variation 3032711 (VCV003032711.2), dbSNP rs2529241015, ClinGen allele CA2740091020.